The following is an entry in ClinVar:

NM_144685.5(HIPK4):c.1279G>A (p.Asp427Asn)

Gene: HIPK4 (homeodomain interacting protein kinase 4; minus strand). Cytogenetic location: 19q13.2.
Variant type: single nucleotide variant.
Coding change: c.1279G>A on transcript NM_144685.5 (MANE Select); coding-DNA position 1279, G replaced by A.
Protein change: p.Asp427Asn; replaces aspartic acid 427 with asparagine.
Molecular consequence: missense variant.
Genome position (GRCh38, 1-based): chr19:40,380,712, C>T on the plus strand (G>A on the coding strand, the complement: HIPK4 is on the minus strand). VCF-style: chr19-40380712-C-T. GRCh37 (hg19) VCF-style: chr19-40886619-C-T.
Other names: short protein forms D427N.
Identifiers: ClinVar variation 161807 (VCV000161807.2), dbSNP rs193920880, ClinGen allele CA174822.

ClinVar aggregate classification (germline): Uncertain significance (0 of 4 stars; one submission).

Conditions:
Prostate cancer. Also called: Malignant tumor of prostate. Identifiers: Orphanet 1331, MedGen C0376358, MONDO:0008315, HP:0012125.

Allele frequency attached by ClinVar (database versions not stated): TOPMed below 0.00001; ExAC 0.00001; gnomAD 0.00001; ESP Exome Variant Server 0.00008; gnomAD exomes 0.00001.
gnomAD v4.1: 10 of 1,614,002 alleles (0.00062%); highest among the groups gnomAD compares: African/African-American, 0.0013%; no homozygotes.

Submission:

Science for Life laboratory,  Karolinska Institutet
Classification: Uncertain significance for Malignant tumor of prostate. Review status: no assertion criteria provided. Collection method: not provided. Allele origin: somatic.
Comment: TumorID:SWE-17
ClinVar note: Converted during submission from Unknown to Uncertain significance.